The following is an entry in ClinVar:

ClinVar aggregate classification (germline): Uncertain significance (1 of 4 stars; one submission).

Conditions:
Catecholaminergic polymorphic ventricular tachycardia 1. Also called: RYR2-Related Catecholaminergic Polymorphic Ventricular Tachycardia; VENTRICULAR TACHYCARDIA, CATECHOLAMINERGIC POLYMORPHIC, 1, WITH OR WITHOUT ATRIAL DYSFUNCTION AND/OR DILATED CARDIOMYOPATHY; VENTRICULAR TACHYCARDIA, STRESS-INDUCED POLYMORPHIC 1. Identifiers: Orphanet 3286, MedGen C1631597, MONDO:0011484, OMIM 604772.

Allele frequency attached by ClinVar (database versions not stated): gnomAD exomes below 0.00001 and 0.00001; gnomAD 0.00001; TOPMed 0.00001.
gnomAD v4.1: 8 of 1,613,664 alleles (0.0005%); highest among the groups gnomAD compares: Middle Eastern, 0.016%; no homozygotes.

Submission:

Labcorp Genetics (formerly Invitae), Labcorp
Classification: Uncertain significance for Catecholaminergic polymorphic ventricular tachycardia 1. Last evaluated: 2022-10-26. Review status: criteria provided, single submitter. Criteria: Invitae Variant Classification Sherloc (09022015). Collection method: clinical testing. Allele origin: germline.
Comment: In summary, the available evidence is currently insufficient to determine the role of this variant in disease. Therefore, it has been classified as a Variant of Uncertain Significance. Advanced modeling of protein sequence and biophysical properties (such as structural, functional, and spatial information, amino acid conservation, physicochemical variation, residue mobility, and thermodynamic stability) performed at Invitae indicates that this missense variant is not expected to disrupt TRDN protein function. ClinVar contains an entry for this variant (Variation ID: 1362336). This variant has not been reported in the literature in individuals affected with TRDN-related conditions. This variant is present in population databases (no rsID available, gnomAD 0.0009%). This sequence change replaces aspartic acid, which is acidic and polar, with glycine, which is neutral and non-polar, at codon 252 of the TRDN protein (p.Asp252Gly).

NM_006073.4(TRDN):c.755A>G (p.Asp252Gly)

Gene: TRDN (triadin; minus strand). Cytogenetic location: 6q22.31.
Variant type: single nucleotide variant.
Coding change: c.755A>G on transcript NM_006073.4 (MANE Select); coding-DNA position 755, A replaced by G.
Protein change: p.Asp252Gly; replaces aspartic acid 252 with glycine.
Molecular consequence: missense variant.
Genome position (GRCh38, 1-based): chr6:123,503,757, T>C on the plus strand (A>G on the coding strand, the complement: TRDN is on the minus strand). VCF-style: chr6-123503757-T-C. GRCh37 (hg19) VCF-style: chr6-123824902-T-C.
Other names: c.755A>G, p.Asp252Gly (NM_001251987.2, NM_001256020.2, NM_001256021.2); short protein forms D252G.
Identifiers: ClinVar variation 1362336 (VCV001362336.5), dbSNP rs969285752, ClinGen allele CA147287310.
Genomic context (GRCh38, chr6:123,503,757, plus strand): 5'-GCCTCCTGCTCTGAATGTTTACCTTTCTGTTCATGCTTTGACACAGCTGCTTTCTCTTTG[T>C]CCTCCTTTTCTTTGGGTTTTGATGGTGTTTTCTGTACTTCTTTTACTTTTGCAGCTGTTT-3'
Protein context (NP_006064.2, residues 242-262): KTPSKPKEKE[Asp252Gly]KEKAAVSKHE